The following is an entry in ClinVar:

ClinVar aggregate classification (germline): Benign (0 of 4 stars; one submission).

Conditions:
ATAD5-related disorder. Also called: ATAD5-related condition.

Allele frequency attached by ClinVar (database versions not stated): ESP Exome Variant Server 0.09303; gnomAD 0.10464; TOPMed 0.10618; ExAC 0.13218; 1000 Genomes Project 30x 0.14397; 1000 Genomes Project 0.14417.
gnomAD v4.1: 177,832 of 1,546,964 alleles (11%); highest among the groups gnomAD compares: South Asian, 25%; 11,722 homozygotes.

Submission:

PreventionGenetics, part of Exact Sciences
Classification: Benign for ATAD5-related condition. Last evaluated: 2019-10-18. Review status: no assertion criteria provided. Collection method: clinical testing. Allele origin: germline.
Comment: This variant is classified as benign based on ACMG/AMP sequence variant interpretation guidelines (Richards et al. 2015 PMID: 25741868, with internal and published modifications).

NM_024857.5(ATAD5):c.2095A>C (p.Asn699His)

Gene: ATAD5 (ATPase family AAA domain containing 5; plus strand). Cytogenetic location: 17q11.2.
Variant type: single nucleotide variant.
Coding change: c.2095A>C on transcript NM_024857.5 (MANE Select); coding-DNA position 2095, A replaced by C.
Protein change: p.Asn699His; replaces asparagine 699 with histidine.
Molecular consequence: missense variant.
Genome position (GRCh38, 1-based): chr17:30,840,635, A>C. VCF-style: chr17-30840635-A-C. GRCh37 (hg19) VCF-style: chr17-29167653-A-C.
Other names: short protein forms N699H.
Identifiers: ClinVar variation 3060476 (VCV003060476.2), dbSNP rs3764421, ClinGen allele CA8483748.